The following is an entry in ClinVar:

ClinVar aggregate classification (germline): Uncertain significance (1 of 4 stars; one submission).

Conditions:
Ehlers-Danlos syndrome, classic type (cEDS). Identifiers: Orphanet 287, MedGen C4225429, MONDO:0007522.
Osteogenesis imperfecta type I (OI1). Also called: Osteogenesis imperfecta type 1; OI, TYPE I; OSTEOGENESIS IMPERFECTA TARDA; OSTEOGENESIS IMPERFECTA WITH BLUE SCLERAE; Lobstein's Disease; Lobstein disease. Identifiers: Orphanet 216796, Orphanet 666, MedGen C0023931, MONDO:0008146, OMIM 166200. Disease mechanism: loss of function.

Allele frequency attached by ClinVar (database versions not stated): TOPMed below 0.00001; ExAC 0.00001; gnomAD exomes 0.00001 and 0.00002.
gnomAD v4.1: 4 of 1,613,928 alleles (0.00025%); highest among the groups gnomAD compares: East Asian, 0.0089%; no homozygotes.

Submission:

Labcorp Genetics (formerly Invitae), Labcorp
Classification: Uncertain significance for Osteogenesis imperfecta type I; Ehlers-Danlos syndrome, classic type, 1. Last evaluated: 2017-09-21. Review status: criteria provided, single submitter. Criteria: Invitae Variant Classification Sherloc (09022015). Collection method: clinical testing. Allele origin: germline.
Comment: This sequence change replaces glutamic acid with glycine at codon 659 of the COL1A2 protein (p.Glu659Gly). The glutamic acid residue is highly conserved and there is a moderate physicochemical difference between glutamic acid and glycine. This variant is present in population databases (rs766488808, ExAC 0.01%). This variant has not been reported in the literature in individuals with COL1A2-related disease. In summary, the available evidence is currently insufficient to determine the role of this variant in disease. Therefore, it has been classified as a Variant of Uncertain Significance.

NM_000089.4(COL1A2):c.1976A>G (p.Glu659Gly)

Gene: COL1A2 (collagen type I alpha 2 chain; plus strand). Cytogenetic location: 7q21.3.
Variant type: single nucleotide variant.
Coding change: c.1976A>G on transcript NM_000089.4 (MANE Select); coding-DNA position 1976, A replaced by G.
Protein change: p.Glu659Gly; replaces glutamic acid 659 with glycine.
Molecular consequence: missense variant.
Genome position (GRCh38, 1-based): chr7:94,418,503, A>G. VCF-style: chr7-94418503-A-G. GRCh37 (hg19) VCF-style: chr7-94047815-A-G.
Other names: short protein forms E659G.
Identifiers: ClinVar variation 526892 (VCV000526892.1), dbSNP rs766488808, ClinGen allele CA4347249.